The following is an entry in ClinVar:

ClinVar aggregate classification (germline): Conflicting classifications of pathogenicity. Review status: criteria provided, conflicting classifications (1 of 4 stars). 3 submissions from 3 submitters: Likely pathogenic (1); Uncertain significance (2). Last evaluated 2026-01-26.

Conditions:
Distal arthrogryposis type 5D (DA5D). Identifiers: Orphanet 329457, MedGen C3554415, MONDO:0014028, OMIM 615065.

Allele frequency attached by ClinVar (database versions not stated): TOPMed below 0.00001; ExAC 0.00001; gnomAD exomes 0.00001.
gnomAD v4.1: 9 of 1,613,982 alleles (0.00056%); highest among the groups gnomAD compares: East Asian, 0.0067%; no homozygotes.

Submissions (3):

Medical and Scientific Branch, Hong Kong Genome Institute
Classification: Likely pathogenic for Distal arthrogryposis type 5D. Last evaluated: 2026-01-26. Review status: criteria provided, single submitter. Criteria: ACMG Guidelines, 2015. Collection method: clinical testing. Allele origin: unknown. Affected: yes.

GeneDx
Classification: Uncertain significance. Last evaluated: 2024-12-13. Review status: criteria provided, single submitter. Criteria: GeneDx Variant Classification Process June 2021. Collection method: clinical testing. Allele origin: germline. Affected: yes.
Comment: In silico analysis supports that this missense variant has a deleterious effect on protein structure/function; In silico analysis supports a deleterious effect on splicing; This variant is associated with the following publications: (PMID: 33672664, 32566668)

3billion
Classification: Uncertain significance for Distal arthrogryposis type 5D. Last evaluated: 2022-09-01. Review status: criteria provided, single submitter. Criteria: ACMG Guidelines, 2015. Collection method: clinical testing. Allele origin: germline. Affected: yes. Observed: 1 heterozygote.
Comment: The variant is observed at an extremely low frequency in the gnomAD v2.1.1 dataset (total allele frequency: 0.002%). In silico tool predictions suggest damaging effect of the variant on gene or gene product (REVEL: 0.95; 3Cnet: 0.78). Same nucleotide change resulting in same amino acid change has been previously reported to be associated with ECEL1 -related disorder (PMID: 32566668). However, the evidence of pathogenicity is insufficient at this time. Therefore, this variant is classified as uncertain significance according to the recommendation of ACMG/AMP guideline.

Literature cited by the submitters: PubMed 32566668 (cited by 3billion).

NM_004826.4(ECEL1):c.1810G>A (p.Gly604Arg)

Gene: ECEL1 (endothelin converting enzyme like 1; minus strand). Cytogenetic location: 2q37.1.
Variant type: single nucleotide variant.
Coding change: c.1810G>A on transcript NM_004826.4 (MANE Select); coding-DNA position 1810, G replaced by A.
Protein change: p.Gly604Arg; replaces glycine 604 with arginine.
Molecular consequence: missense variant.
Genome position (GRCh38, 1-based): chr2:232,481,836, C>T on the plus strand (G>A on the coding strand, the complement: ECEL1 is on the minus strand). VCF-style: chr2-232481836-C-T. GRCh37 (hg19) VCF-style: chr2-233346546-C-T.
Other names: c.1804G>A, p.Gly602Arg (NM_001290787.2); c.1810G>A (NM_004826.2); short protein forms G602R, G604R.
Identifiers: ClinVar variation 1705569 (VCV001705569.3), dbSNP rs745378093, ClinGen allele CA2167095.